The following is an entry in ClinVar:

NM_138773.4(SLC25A46):c.283+28A>T

Gene: SLC25A46 (solute carrier family 25 member 46; plus strand). Cytogenetic location: 5q22.1.
Variant type: single nucleotide variant.
Coding change: c.283+28A>T on transcript NM_138773.4 (MANE Select); 28 bases into the intron after coding-DNA position 283, A replaced by T.
Molecular consequence: intron variant.
Genome position (GRCh38, 1-based): chr5:110,739,430, A>T. VCF-style: chr5-110739430-A-T. GRCh37 (hg19) VCF-style: chr5-110075131-A-T.
Other names: c.10+1183A>T (NM_001303250.3); c.283+28A>T (NM_001303249.3).
Identifiers: ClinVar variation 673780 (VCV000673780.1), dbSNP rs73230113, ClinGen allele CA3364517.

ClinVar aggregate classification (germline): Benign (1 of 4 stars; one submission).

Allele frequency attached by ClinVar (database versions not stated): gnomAD exomes 0.00271 and 0.00705; ExAC 0.01088; ESP Exome Variant Server 0.02780; gnomAD 0.02822 and 0.03045; 1000 Genomes Project 0.03075; TOPMed 0.03193; 1000 Genomes Project 30x 0.03248.

Submission:

GeneDx
Classification: Benign. Last evaluated: 2018-06-16. Review status: criteria provided, single submitter. Criteria: GeneDx Variant Classification (06012015). Collection method: clinical testing. Allele origin: germline. Affected: yes.
Comment: This variant is considered likely benign or benign based on one or more of the following criteria: it is a conservative change, it occurs at a poorly conserved position in the protein, it is predicted to be benign by multiple in silico algorithms, and/or has population frequency not consistent with disease.